The following is an entry in ClinVar:

NM_000540.3(RYR1):c.1966dup (p.Thr656fs)

Gene: RYR1 (ryanodine receptor 1; plus strand). Cytogenetic location: 19q13.2.
Variant type: Duplication.
Coding change: c.1966dup on transcript NM_000540.3 (MANE Select); coding-DNA position 1966, one base duplicated (A; older notation c.1966dupA).
Protein change: p.Thr656fs; shifts the reading frame from threonine 656.
Molecular consequence: frameshift variant.
Genome position (GRCh38, 1-based): chr19:38,458,091, A duplicated. VCF-style (leftmost placement, unchanged base first): chr19-38458090-C-CA. GRCh37 (hg19) VCF-style: chr19-38948730-C-CA.
Other names: c.1966dup, p.Thr656fs (NM_001042723.2); short protein forms T656fs.
Identifiers: ClinVar variation 2772066 (VCV002772066.3), dbSNP rs2514041659, ClinGen allele CA2697556539.

ClinVar aggregate classification (germline): Pathogenic (1 of 4 stars; one submission).

Conditions:
RYR1-related disorder. Also called: RYR1-related condition; RYR1-related disorders. Identifiers: MedGen CN239331.

Submission:

Labcorp Genetics (formerly Invitae), Labcorp
Classification: Pathogenic for RYR1-related disorder. Last evaluated: 2023-10-27. Review status: criteria provided, single submitter. Criteria: Invitae Variant Classification Sherloc (09022015). Collection method: clinical testing. Allele origin: germline.
Comment: This sequence change creates a premature translational stop signal (p.Thr656Asnfs*9) in the RYR1 gene. It is expected to result in an absent or disrupted protein product. Loss-of-function variants in RYR1 are known to be pathogenic (PMID: 23919265, 25960145, 28818389, 30611313). This variant is not present in population databases (gnomAD no frequency). This variant has not been reported in the literature in individuals affected with RYR1-related conditions. For these reasons, this variant has been classified as Pathogenic.

Literature cited by the submitters: PubMed 23919265; PubMed 25960145; PubMed 28818389; PubMed 30611313.